The following is an entry in ClinVar:

NM_003072.5(SMARCA4):c.1184A>G (p.Asp395Gly)

Gene: SMARCA4 (SWI/SNF related BAF chromatin remodeling complex subunit ATPase 4; plus strand). Cytogenetic location: 19p13.2.
Variant type: single nucleotide variant.
Coding change: c.1184A>G on transcript NM_003072.5 (MANE Select); coding-DNA position 1184, A replaced by G.
Protein change: p.Asp395Gly; replaces aspartic acid 395 with glycine.
Molecular consequence: missense variant. On other transcripts: non-coding transcript variant (1).
Genome position (GRCh38, 1-based): chr19:10,989,382, A>G. VCF-style: chr19-10989382-A-G. GRCh37 (hg19) VCF-style: chr19-11100058-A-G.
Other names: c.1184A>G (NM_001128849.1); c.1184A>G, p.Asp395Gly (NM_001128844.3, NM_001128845.2, NM_001128846.2 and 5 more transcripts); short protein forms D395G.
Identifiers: ClinVar variation 1039758 (VCV001039758.10), dbSNP rs2086352477, ClinGen allele CA404059600.

ClinVar aggregate classification (germline): Uncertain significance. Review status: criteria provided, multiple submitters, no conflicts (2 of 4 stars). 2 submissions from 2 submitters: Uncertain significance (2). Last evaluated 2025-08-01.

Conditions:
Hereditary cancer-predisposing syndrome. Also called: Neoplastic Syndromes, Hereditary; Hereditary Cancer Syndrome; Tumor predisposition; Hereditary neoplastic syndrome. Identifiers: Orphanet 140162, MedGen C0027672, MeSH D009386, MONDO:0015356.
Rhabdoid tumor predisposition syndrome 2 (RTPS2). Identifiers: Orphanet 231108, Orphanet 69077, MedGen C2750074, MONDO:0013224, OMIM 613325.

Submissions (2):

Ambry Genetics
Classification: Uncertain significance for Hereditary cancer-predisposing syndrome. Last evaluated: 2025-08-01. Review status: criteria provided, single submitter. Criteria: Ambry Variant Classification Scheme 2023. Collection method: clinical testing. Allele origin: germline.
Comment: The p.D395G variant (also known as c.1184A>G), located in coding exon 6 of the SMARCA4 gene, results from an A to G substitution at nucleotide position 1184. The aspartic acid at codon 395 is replaced by glycine, an amino acid with similar properties. This amino acid position is conserved. In addition, this alteration is predicted to be deleterious by in silico analysis. Based on the available evidence, the clinical significance of this variant remains unclear.

Labcorp Genetics (formerly Invitae), Labcorp
Classification: Uncertain significance for Rhabdoid tumor predisposition syndrome 2. Last evaluated: 2020-01-14. Review status: criteria provided, single submitter. Criteria: Invitae Variant Classification Sherloc (09022015). Collection method: clinical testing. Allele origin: germline.
Comment: Algorithms developed to predict the effect of missense changes on protein structure and function are either unavailable or do not agree on the potential impact of this missense change (SIFT: "Deleterious"; PolyPhen-2: "Benign"; Align-GVGD: "Class C65"). This sequence change replaces aspartic acid with glycine at codon 395 of the SMARCA4 protein (p.Asp395Gly). The aspartic acid residue is highly conserved and there is a moderate physicochemical difference between aspartic acid and glycine. This variant is not present in population databases (ExAC no frequency). This variant has not been reported in the literature in individuals with SMARCA4-related conditions. In summary, the available evidence is currently insufficient to determine the role of this variant in disease. Therefore, it has been classified as a Variant of Uncertain Significance.